The following is an entry in ClinVar:

ClinVar aggregate classification (germline): Benign/Likely benign. Review status: criteria provided, multiple submitters, no conflicts (2 of 4 stars). 9 submissions from 9 submitters: Benign (2); Likely benign (5). 2 of the submissions do not count toward it. Last evaluated 2026-01-12.

Conditions:
Hypertrophic cardiomyopathy 14. Identifiers: MedGen C2750467, MONDO:0013197, OMIM 613251.
Hypertrophic cardiomyopathy. Also called: HYPERTROPHIC MYOCARDIOPATHY. Identifiers: Orphanet 217569, MedGen C0007194, MeSH D002312, MONDO:0005045, HP:0001639.

Allele frequency attached by ClinVar (database versions not stated): gnomAD exomes 0.00027; ExAC 0.00034; 1000 Genomes Project 0.00060; 1000 Genomes Project 30x 0.00062; gnomAD 0.00080 and 0.00088; TOPMed 0.00083; ESP Exome Variant Server 0.00108.

Submissions (9):

Labcorp Genetics (formerly Invitae), Labcorp
Classification: Benign for Hypertrophic cardiomyopathy 14. Last evaluated: 2026-01-12. Review status: criteria provided, single submitter. Criteria: Invitae Variant Classification Sherloc (09022015). Collection method: clinical testing. Allele origin: germline.

CeGaT Center for Human Genetics Tuebingen
Classification: Likely benign. Last evaluated: 2025-04-01. Review status: criteria provided, single submitter. Criteria: CeGaT Center For Human Genetics Tuebingen Variant Classification Criteria Version 2. Collection method: clinical testing. Allele origin: germline. Affected: yes. Observed: 1 variant allele.
Comment: MYH6: BP4, BS1

Women's Health and Genetics/Laboratory Corporation of America, LabCorp
Classification: Benign. Last evaluated: 2024-09-29. Review status: criteria provided, single submitter. Criteria: LabCorp Variant Classification Summary - May 2015. Collection method: clinical testing. Allele origin: germline.

Blueprint Genetics
Classification: Likely benign. Last evaluated: 2024-01-24. Review status: criteria provided, single submitter. Criteria: ACMG Guidelines, 2015. Collection method: clinical testing. Allele origin: germline.

Center for Advanced Laboratory Medicine, UC San Diego Health, University of California San Diego
Classification: Likely benign for Hypertrophic cardiomyopathy. Last evaluated: 2019-06-03. Review status: criteria provided, single submitter. Criteria: ACMG Guidelines, 2015. Collection method: clinical testing. Allele origin: germline. Affected: yes. Observed: 1 variant allele.

GeneDx
Classification: Likely benign. Last evaluated: 2017-06-27. Review status: criteria provided, single submitter. Criteria: GeneDx Variant Classification (06012015). Collection method: clinical testing. Allele origin: germline. Affected: yes.
Comment: This variant is considered likely benign or benign based on one or more of the following criteria: it is a conservative change, it occurs at a poorly conserved position in the protein, it is predicted to be benign by multiple in silico algorithms, and/or has population frequency not consistent with disease.

Laboratory for Molecular Medicine, Mass General Brigham Personalized Medicine
Classification: Likely benign. Last evaluated: 2012-03-19. Review status: criteria provided, single submitter. Criteria: LMM Criteria. Collection method: clinical testing. Allele origin: germline. Observed: 1 variant allele.
Comment: 3978+8C>T in intron 28 of MYH6: This variant is not expected to have clinical si gnificance because it is not located within the splice consensus sequence. It ha s been identified in 0.3% (10/3738) of African American chromosomes from a broad population by the NHLBI Exome Sequencing Project (EVS). 3978+8C>T in intron 28 of MYH6 (allele frequency = 0.3%, 10/3738) **

Clinical Genetics, Academic Medical Center
Classification: Benign. Review status: no assertion criteria provided. Collection method: clinical testing. Allele origin: germline. Affected: yes. Study: VKGL Data-share Consensus. Not counted in ClinVar's aggregate classification.

Genome Diagnostics Laboratory, University Medical Center Utrecht
Classification: Benign. Review status: no assertion criteria provided. Collection method: clinical testing. Allele origin: germline. Affected: yes. Study: VKGL Data-share Consensus. Not counted in ClinVar's aggregate classification.

NM_002471.4(MYH6):c.3978+8C>T

Gene: MYH6 (myosin heavy chain 6; minus strand). Cytogenetic location: 14q11.2.
Variant type: single nucleotide variant.
Coding change: c.3978+8C>T on transcript NM_002471.4 (MANE Select); 8 bases into the intron after coding-DNA position 3978, C replaced by T.
Molecular consequence: intron variant.
Genome position (GRCh38, 1-based): chr14:23,389,385, G>A on the plus strand (C>T on the coding strand, the complement: MYH6 is on the minus strand). VCF-style: chr14-23389385-G-A. GRCh37 (hg19) VCF-style: chr14-23858594-G-A.
Identifiers: ClinVar variation 44496 (VCV000044496.28), dbSNP rs367866050, ClinGen allele CA134366.